The following is an entry in ClinVar:

NM_138694.4(PKHD1):c.10743C>T (p.Leu3581=)

Gene: PKHD1 (PKHD1 ciliary IPT domain containing fibrocystin/polyductin; minus strand). Cytogenetic location: 6p12.3.
Variant type: single nucleotide variant.
Coding change: c.10743C>T on transcript NM_138694.4 (MANE Select); coding-DNA position 10743, C replaced by T.
Protein change: p.Leu3581=; no amino-acid change (leucine 3581 retained).
Molecular consequence: synonymous variant.
Genome position (GRCh38, 1-based): chr6:51,659,383, G>A on the plus strand (C>T on the coding strand, the complement: PKHD1 is on the minus strand). VCF-style: chr6-51659383-G-A. GRCh37 (hg19) VCF-style: chr6-51524181-G-A.
Identifiers: ClinVar variation 703418 (VCV000703418.29), dbSNP rs770308751, ClinGen allele CA3851025.

ClinVar aggregate classification (germline): Likely benign. Review status: criteria provided, multiple submitters, no conflicts (2 of 4 stars). 4 submissions from 4 submitters: Likely benign (3). 1 of the submissions does not count toward it. Last evaluated 2026-08-31.

Conditions:
Autosomal recessive polycystic kidney disease (ARPKD). Also called: AR polycystic kidney disease. Identifiers: Orphanet 731, Orphanet 8378, MedGen C0085548, MeSH D017044, MONDO:0009889.
PKHD1-related disorder. Also called: PKHD1-related condition.

Allele frequency attached by ClinVar (database versions not stated): gnomAD 0.00002; TOPMed 0.00002.
gnomAD v4.1: 39 of 1,613,530 alleles (0.0024%); highest among the groups gnomAD compares: Non-Finnish European, 0.0029%; no homozygotes.

Submissions (4):

PreventionGenetics, part of Exact Sciences
Classification: Likely benign for PKHD1-related condition. Last evaluated: 2026-08-31. Review status: criteria provided, single submitter. Criteria: ACMG Guidelines, 2015. Collection method: clinical testing. Allele origin: germline.
Comment: This variant is classified as likely benign based on ACMG/AMP sequence variant interpretation guidelines (Richards et al. 2015 PMID: 25741868, with internal and published modifications).

CeGaT Center for Human Genetics Tuebingen
Classification: Likely benign. Last evaluated: 2026-08-01. Review status: criteria provided, single submitter. Criteria: CeGaT Center For Human Genetics Tuebingen Variant Classification Criteria Version 2. Collection method: clinical testing. Allele origin: germline. Affected: yes. Observed: 2 variant alleles.
Comment: PKHD1: BP4, BP7

Labcorp Genetics (formerly Invitae), Labcorp
Classification: Likely benign for Autosomal recessive polycystic kidney disease. Last evaluated: 2026-01-13. Review status: criteria provided, single submitter. Criteria: Invitae Variant Classification Sherloc (09022015). Collection method: clinical testing. Allele origin: germline.

Natera, Inc.
Classification: Uncertain significance for Autosomal recessive polycystic kidney disease. Last evaluated: 2019-07-25. Review status: no assertion criteria provided. Collection method: clinical testing. Allele origin: germline. Not counted in ClinVar's aggregate classification.